The following is an entry in ClinVar:

NM_020937.4(FANCM):c.3332T>C (p.Val1111Ala)

Gene: FANCM (FA complementation group M; plus strand). Cytogenetic location: 14q21.2.
Variant type: single nucleotide variant.
Coding change: c.3332T>C on transcript NM_020937.4 (MANE Select); coding-DNA position 3332, T replaced by C.
Protein change: p.Val1111Ala; replaces valine 1111 with alanine.
Molecular consequence: missense variant.
Genome position (GRCh38, 1-based): chr14:45,176,086, T>C. VCF-style: chr14-45176086-T-C. GRCh37 (hg19) VCF-style: chr14-45645289-T-C.
Other names: c.3332T>C (LRG_502t1, NM_020937.3); c.3254T>C, p.Val1085Ala (NM_001308133.2); short protein forms V1111A, V1085A.
Identifiers: ClinVar variation 579250 (VCV000579250.14), dbSNP rs376798467, ClinGen allele CA7169496.

ClinVar aggregate classification (germline): Uncertain significance. Review status: criteria provided, multiple submitters, no conflicts (2 of 4 stars). 5 submissions from 5 submitters: Uncertain significance (4). 1 of the submissions does not count toward it. Last evaluated 2026-01-24.

Conditions:
FANCM-related disorder. Also called: FANCM-related condition.
Spermatogenic failure 28. Identifiers: MedGen C4748117, MONDO:0054732, OMIM 618086.
Premature ovarian failure 15. Identifiers: MedGen C4748170, MONDO:0054862, OMIM 618096.
Fanconi anemia (FA). Also called: Fanconi's anemia. Identifiers: Orphanet 84, MedGen C0015625, MeSH D005199, MONDO:0019391.

Allele frequency attached by ClinVar (database versions not stated): TOPMed below 0.00001; gnomAD 0.00001; gnomAD exomes 0.00001 and 0.00003; ExAC 0.00004.
gnomAD v4.1: 22 of 1,613,972 alleles (0.0014%); highest among the groups gnomAD compares: East Asian, 0.0045%; no homozygotes.

Submissions (5):

Labcorp Genetics (formerly Invitae), Labcorp
Classification: Uncertain significance for Fanconi anemia. Last evaluated: 2026-01-24. Review status: criteria provided, single submitter. Criteria: Invitae Variant Classification Sherloc (09022015). Collection method: clinical testing. Allele origin: germline.
Comment: This sequence change replaces valine, which is neutral and non-polar, with alanine, which is neutral and non-polar, at codon 1111 of the FANCM protein (p.Val1111Ala). This variant is present in population databases (rs376798467, gnomAD 0.02%). This variant has not been reported in the literature in individuals affected with FANCM-related conditions. ClinVar contains an entry for this variant (Variation ID: 579250). An algorithm developed to predict the effect of missense changes on protein structure and function outputs the following: PolyPhen-2: "Benign". The alanine amino acid residue is found in multiple mammalian species, which suggests that this missense change does not adversely affect protein function. In summary, the available evidence is currently insufficient to determine the role of this variant in disease. Therefore, it has been classified as a Variant of Uncertain Significance.

Quest Diagnostics Nichols Institute San Juan Capistrano
Classification: Uncertain significance. Last evaluated: 2025-07-02. Review status: criteria provided, single submitter. Criteria: Quest Diagnostics criteria. Collection method: clinical testing. Allele origin: unknown.
Comment: The FANCM c.3332T>C (p.Val1111Ala) variant has been reported in the published literature in individuals with breast cancer as well as in reportedly unaffected individuals (PMID: 33471991 (2021), see also LOVD). The frequency of this variant in the general population (Genome Aggregation Database) is uninformative in the assessment of its pathogenicity. Analysis of this variant using bioinformatics tools for the prediction of the effect of amino acid changes on protein structure and function yielded predictions that this variant is benign. Based on the available information, we are unable to determine the clinical significance of this variant.

GeneDx
Classification: Uncertain significance. Last evaluated: 2023-07-14. Review status: criteria provided, single submitter. Criteria: GeneDx Variant Classification Process June 2021. Collection method: clinical testing. Allele origin: germline. Affected: yes.
Comment: In silico analysis supports that this missense variant does not alter protein structure/function; Observed in individuals with stomach adenocarcinoma (Lu et al., 2015); This variant is associated with the following publications: (PMID: 32579932, 26689913)

Fulgent Genetics
Classification: Uncertain significance for Spermatogenic failure 28; Premature ovarian failure 15. Last evaluated: 2021-12-15. Review status: criteria provided, single submitter. Criteria: ACMG Guidelines, 2015. Collection method: clinical testing. Allele origin: unknown.

PreventionGenetics, part of Exact Sciences
Classification: Uncertain significance for FANCM-related condition. Last evaluated: 2024-08-13. Review status: no assertion criteria provided. Collection method: clinical testing. Allele origin: germline. Not counted in ClinVar's aggregate classification.
Comment: The FANCM c.3332T>C variant is predicted to result in the amino acid substitution p.Val1111Ala. To our knowledge, this variant has not been reported in the literature. This variant is reported in 0.016% of alleles in individuals of East Asian descent in gnomAD and has been interpreted as variant of uncertain significance in the ClinVar database. At this time, the clinical significance of this variant is uncertain due to the absence of conclusive functional and genetic evidence.

Literature cited by the submitters: PubMed 33471991 (cited by Quest Diagnostics Nichols Institute San Juan Capistrano).